The following is an entry in ClinVar:

NM_000492.4(CFTR):c.659A>T (p.Gln220Leu)

Gene: CFTR (CF transmembrane conductance regulator; plus strand). Cytogenetic location: 7q31.2.
Variant type: single nucleotide variant.
Coding change: c.659A>T on transcript NM_000492.4 (MANE Select); coding-DNA position 659, A replaced by T.
Protein change: p.Gln220Leu; replaces glutamine 220 with leucine.
Molecular consequence: missense variant.
Genome position (GRCh38, 1-based): chr7:117,535,327, A>T. VCF-style: chr7-117535327-A-T. GRCh37 (hg19) VCF-style: chr7-117175381-A-T.
Other names: short protein forms Q220L.
Identifiers: ClinVar variation 3266668 (VCV003266668.1).

ClinVar aggregate classification (germline): Uncertain significance (1 of 4 stars; one submission).

Conditions:
Cystic fibrosis (CF). Also called: MUCOVISCIDOSIS. Identifiers: Orphanet 586, MedGen C0010674, MONDO:0009061, OMIM 219700. Disease mechanism: loss of function.

gnomAD v4.1: 1 of 1,614,084 alleles (0.000062%); highest among the groups gnomAD compares: Non-Finnish European, 0.000085%; no homozygotes.

Submission:

Ambry Genetics
Classification: Uncertain significance for Cystic fibrosis. Last evaluated: 2024-05-28. Review status: criteria provided, single submitter. Criteria: Ambry Variant Classification Scheme 2023. Collection method: clinical testing. Allele origin: germline.
Comment: The p.Q220L variant (also known as c.659A>T), located in coding exon 6 of the CFTR gene, results from an A to T substitution at nucleotide position 659. The glutamine at codon 220 is replaced by leucine, an amino acid with dissimilar properties. This amino acid position is not well conserved in available vertebrate species. In addition, the in silico prediction for this alteration is inconclusive. Based on the available evidence, the clinical significance of this variant remains unclear.